The following is an entry in ClinVar:

ClinVar aggregate classification (germline): Uncertain significance. Review status: criteria provided, multiple submitters, no conflicts (2 of 4 stars). 2 submissions from 2 submitters: Uncertain significance (2). Last evaluated 2025-10-23.

Conditions:
Hereditary cancer-predisposing syndrome. Also called: Neoplastic Syndromes, Hereditary; Hereditary neoplastic syndrome; Tumor predisposition; Hereditary Cancer Syndrome. Identifiers: Orphanet 140162, MedGen C0027672, MeSH D009386, MONDO:0015356.
Cardiovascular phenotype. Identifiers: MedGen CN230736.
Neurofibromatosis, type 1 (NF1). Also called: VON RECKLINGHAUSEN DISEASE; NEUROFIBROMATOSIS, TYPE I, SOMATIC; Peripheral type neurofibromatosis; Neurofibromatosis, type I. Identifiers: Orphanet 636, MedGen C0027831, MONDO:0018975, OMIM 162200. Disease mechanism: loss of function.

Submissions (2):

Labcorp Genetics (formerly Invitae), Labcorp
Classification: Uncertain significance for Neurofibromatosis, type 1. Last evaluated: 2025-10-23. Review status: criteria provided, single submitter. Criteria: Invitae Variant Classification Sherloc (09022015). Collection method: clinical testing. Allele origin: germline.
Comment: This sequence change replaces isoleucine, which is neutral and non-polar, with valine, which is neutral and non-polar, at codon 1918 of the NF1 protein (p.Ile1918Val). This variant is not present in population databases (gnomAD no frequency). This variant has not been reported in the literature in individuals affected with NF1-related conditions. ClinVar contains an entry for this variant (Variation ID: 662344). An algorithm developed to predict the effect of missense changes on protein structure and function (PolyPhen-2) suggests that this variant is likely to be disruptive. In summary, the available evidence is currently insufficient to determine the role of this variant in disease. Therefore, it has been classified as a Variant of Uncertain Significance.

Ambry Genetics
Classification: Uncertain significance for Cardiovascular phenotype; Hereditary cancer-predisposing syndrome. Last evaluated: 2023-10-12. Review status: criteria provided, single submitter. Criteria: Ambry Variant Classification Scheme 2023. Collection method: clinical testing. Allele origin: germline.
Comment: The p.I1918V variant (also known as c.5752A>G), located in coding exon 39 of the NF1 gene, results from an A to G substitution at nucleotide position 5752. The isoleucine at codon 1918 is replaced by valine, an amino acid with highly similar properties. This amino acid position is highly conserved in available vertebrate species. In addition, the in silico prediction for this alteration is inconclusive. Since supporting evidence is limited at this time, the clinical significance of this alteration remains unclear.

NM_001042492.3(NF1):c.5815A>G (p.Ile1939Val)

Gene: NF1 (neurofibromin 1; plus strand). Cytogenetic location: 17q11.2.
Variant type: single nucleotide variant.
Coding change: c.5815A>G on transcript NM_001042492.3 (MANE Select); coding-DNA position 5815, A replaced by G.
Protein change: p.Ile1939Val; replaces isoleucine 1939 with valine.
Molecular consequence: missense variant.
Genome position (GRCh38, 1-based): chr17:31,334,840, A>G. VCF-style: chr17-31334840-A-G. GRCh37 (hg19) VCF-style: chr17-29661858-A-G.
Other names: c.5752A>G, p.Ile1918Val (NM_000267.4); short protein forms I1939V, I1918V.
Identifiers: ClinVar variation 662344 (VCV000662344.10), dbSNP rs1173859882, ClinGen allele CA399010552.
Genomic context (GRCh38, chr17:31,334,840, plus strand): 5'-ATAATTGTTGATGTGATTTTCATTGACCATCACATGCTAATAGTGTATTTTTTTCCAGGT[A>G]TTGAATTGAAACACCTTTGTTTGGAATACATGACTCCATGGCTGTCAAATCTAGTTCGTT-3'
Protein context (NP_001035957.1, residues 1929-1949): ECISGFSKSS[Ile1939Val]ELKHLCLEYM